The following is an entry in ClinVar:

NC_012920.1(MT-ND3):m.10353G>A

Gene: MT-ND3 (mitochondrially encoded NADH dehydrogenase 3; plus strand).
Variant type: single nucleotide variant.
Genome position: chrM-10353-G-A.
Identifiers: ClinVar variation 693284 (VCV000693284.1), dbSNP rs28435660, ClinGen allele CA337098802.

ClinVar aggregate classification (germline): Uncertain significance (1 of 4 stars; one submission).

Conditions:
Leigh syndrome (NULS). Also called: Leigh's necrotizing encephalopathy; Leigh's disease; Leigh Syndrome (mtDNA deletion); Leigh Disease; Subacute necrotizing encephalopathy; Necrotizing encephalopathy infantile subacute of Leigh. Identifiers: Orphanet 506, MedGen C2931891, MONDO:0009723, OMIM 256000.

Submission:

Wong Mito Lab, Molecular and Human Genetics, Baylor College of Medicine
Classification: Uncertain significance for Leigh syndrome. Last evaluated: 2019-10-17. Review status: criteria provided, single submitter. Criteria: Modified ACMG Guidelines (Unpublished). Collection method: clinical testing. Allele origin: germline.
Comment: The NC_012920.1:m.10353G>A (YP_003024033.1:p.Ala99Thr) variant in MTND3 gene is interpretated to be a Uncertain Significance variant based on the modified ACMG guidelines (unpublished). This variant meets the following evidence codes: PP6, PP7, BP4